The following is an entry in ClinVar:

NM_001110219.3(GJB6):c.301G>A (p.Glu101Lys)

Gene: GJB6 (gap junction protein beta 6; minus strand). Cytogenetic location: 13q12.11.
Variant type: single nucleotide variant.
Coding change: c.301G>A on transcript NM_001110219.3 (MANE Select); coding-DNA position 301, G replaced by A.
Protein change: p.Glu101Lys; replaces glutamic acid 101 with lysine.
Molecular consequence: missense variant.
Genome position (GRCh38, 1-based): chr13:20,223,180, C>T on the plus strand (G>A on the coding strand, the complement: GJB6 is on the minus strand). VCF-style: chr13-20223180-C-T. GRCh37 (hg19) VCF-style: chr13-20797319-C-T.
Other names: c.301G>A, p.Glu101Lys (NM_001110220.3, NM_001110221.3, NM_001370090.1 and 3 more transcripts); short protein forms E101K.
Identifiers: ClinVar variation 225377 (VCV000225377.3), dbSNP rs571454176, ClinGen allele CA6904473.

ClinVar aggregate classification (germline): Conflicting classifications of pathogenicity. Review status: criteria provided, conflicting classifications (1 of 4 stars). 3 submissions from 3 submitters: Uncertain significance (2); Likely benign (1). Last evaluated 2023-08-02.

Conditions:
Autosomal recessive nonsyndromic hearing loss 1B. Also called: DEAFNESS, AUTOSOMAL RECESSIVE 1B. Identifiers: Orphanet 90636, MedGen C2675235, MONDO:0012977, OMIM 612645.
Autosomal recessive nonsyndromic hearing loss 1A (DFNB1A). Also called: GJB6-Related DFNB 1 Nonsyndromic Hearing Loss and Deafness; Deafness, autosomal recessive 1A; Connexin 26 deafness; Deafness nonsyndromic, Connexin 26 linked; Nonsyndromic Hearing Loss and Deafness, DFNB1; GJB2-Related Autosomal Recessive Nonsyndromic Hearing Loss. Identifiers: Orphanet 90636, MedGen C2673759, MONDO:0009076, OMIM 220290.
X-linked mixed hearing loss with perilymphatic gusher. Also called: Gusher syndrome; NANCE DEAFNESS; PERILYMPHATIC GUSHER-DEAFNESS SYNDROME; SENSORINEURAL DEAFNESS, PROFOUND, WITH OR WITHOUT A CONDUCTIVE COMPONENT, ASSOCIATED WITH A UNIQUE DEVELOPMENTAL ABNORMALITY OF THE EAR; Deafness, X-linked 2. Identifiers: Orphanet 383, MedGen C1844678, MONDO:0010576, OMIM 304400.
Hidrotic ectodermal dysplasia syndrome (GJB6). Also called: Hidrotic ectodermal dysplasia; CLOUSTON HIDROTIC ECTODERMAL DYSPLASIA; Ectodermal dysplasia 2, hidrotic; Autosomal dominant hidrotic ectodermal dysplasia; Clouston syndrome; Clouston's hidrotic ectodermal dysplasia. Identifiers: Orphanet 189, MedGen C0162361, MONDO:0007510, OMIM 129500.
Autosomal dominant nonsyndromic hearing loss 3B. Identifiers: Orphanet 90635, MedGen C2675237, MONDO:0012975, OMIM 612643.

Allele frequency attached by ClinVar (database versions not stated): TOPMed 0.00001.
gnomAD v4.1: 132 of 1,613,064 alleles (0.0082%); highest among the groups gnomAD compares: South Asian, 0.12%; 2 homozygotes.

Submissions (3):

Women's Health and Genetics/Laboratory Corporation of America, LabCorp
Classification: Likely benign. Last evaluated: 2023-08-02. Review status: criteria provided, single submitter. Criteria: LabCorp Variant Classification Summary - May 2015. Collection method: clinical testing. Allele origin: germline.
Comment: Variant summary: GJB6 c.301G>A (p.Glu101Lys) results in a conservative amino acid change located in the Connexin, N-terminal domain (IPR013092) of the encoded protein sequence. Three of five in-silico tools predict a benign effect of the variant on protein function. The variant allele was found at a frequency of 0.00016 in 250930 control chromosomes in the gnomAD database, including one homozygote. The observed variant frequency is approximately 1020 fold of the estimated maximal expected allele frequency for a pathogenic variant in GJB6 causing Hidrotic Ectodermal Dysplasia Syndrome phenotype (1.6e-07), strongly suggesting that the variant is benign. c.301G>A has been reported in the literature in individuals affected with non syndromic hearing loss (Asma_2011, Pshennikova_2017). These reports do not provide unequivocal conclusions about association of the variant with Hidrotic Ectodermal Dysplasia Syndrome. One co-occurrence with another pathogenic variant has been reported (GJB2 c.109G>A, p.Val37Ile), providing supporting evidence for a benign role. To our knowledge, no experimental evidence demonstrating an impact on protein function has been reported. The following publications have been ascertained in the context of this evaluation (PMID: 22106692, 31015822). Two submitters have cited clinical-significance assessments for this variant to ClinVar after 2014. All submitters classified the variant as uncertain significance. Based on the evidence outlined above, the variant was classified as likely benign.

Fulgent Genetics
Classification: Uncertain significance for Hidrotic ectodermal dysplasia syndrome; Autosomal recessive nonsyndromic hearing loss 1A; X-linked mixed hearing loss with perilymphatic gusher; Autosomal dominant nonsyndromic hearing loss 3B; Autosomal recessive nonsyndromic hearing loss 1B. Last evaluated: 2022-02-15. Review status: criteria provided, single submitter. Criteria: ACMG Guidelines, 2015. Collection method: clinical testing. Allele origin: unknown.

Soonchunhyang University Bucheon Hospital, Soonchunhyang University Medical Center
Classification: Uncertain significance for Autosomal dominant nonsyndromic hearing loss 3B; Autosomal recessive nonsyndromic hearing loss 1B. Last evaluated: 2016-03-18. Review status: criteria provided, single submitter. Criteria: ACMG Guidelines, 2015. Collection method: reference population. Allele origin: germline. Observed: 1 variant allele.

Literature cited by the submitters: PubMed 22106692 (cited by Women's Health and Genetics/Laboratory Corporation of America, LabCorp and Soonchunhyang University Bucheon Hospital, Soonchunhyang University Medical Center); PubMed 31015822 (cited by Women's Health and Genetics/Laboratory Corporation of America, LabCorp).